The following is an entry in ClinVar:

ClinVar aggregate classification (germline): Conflicting classifications of pathogenicity. Review status: criteria provided, conflicting classifications (1 of 4 stars). 4 submissions from 4 submitters: Uncertain significance (1); Likely benign (2). 1 of the submissions does not count toward it. Last evaluated 2026-01-01.

Conditions:
SCN3A-related disorder. Also called: SCN3A-related condition.

Allele frequency attached by ClinVar (database versions not stated): gnomAD 0.00006 and 0.00019; ESP Exome Variant Server 0.00015; gnomAD exomes 0.00017 and 0.00034; ExAC 0.00041; 1000 Genomes Project 0.00120; 1000 Genomes Project 30x 0.00125; TOPMed 0.00005.
gnomAD v4.1: 277 of 1,613,980 alleles (0.017%); highest among the groups gnomAD compares: South Asian, 0.24%; no homozygotes.

Submissions (4):

CeGaT Center for Human Genetics Tuebingen
Classification: Likely benign. Last evaluated: 2026-01-01. Review status: criteria provided, single submitter. Criteria: CeGaT Center For Human Genetics Tuebingen Variant Classification Criteria Version 2. Collection method: clinical testing. Allele origin: germline. Affected: yes. Observed: 1 variant allele.
Comment: SCN3A: BS1

Labcorp Genetics (formerly Invitae), Labcorp
Classification: Likely benign. Last evaluated: 2025-12-26. Review status: criteria provided, single submitter. Criteria: Invitae Variant Classification Sherloc (09022015). Collection method: clinical testing. Allele origin: germline.

Mayo Clinic Laboratories, Mayo Clinic
Classification: Uncertain significance. Last evaluated: 2016-05-02. Review status: criteria provided, single submitter. Criteria: ACMG Guidelines, 2015. Collection method: clinical testing. Allele origin: paternal.

PreventionGenetics, part of Exact Sciences
Classification: Likely benign for SCN3A-related condition. Last evaluated: 2022-02-04. Review status: no assertion criteria provided. Collection method: clinical testing. Allele origin: germline. Not counted in ClinVar's aggregate classification.
Comment: This variant is classified as likely benign based on ACMG/AMP sequence variant interpretation guidelines (Richards et al. 2015 PMID: 25741868, with internal and published modifications).

NM_006922.4(SCN3A):c.2077A>G (p.Met693Val)

Gene: SCN3A (sodium voltage-gated channel alpha subunit 3; minus strand). Cytogenetic location: 2q24.3.
Variant type: single nucleotide variant.
Coding change: c.2077A>G on transcript NM_006922.4 (MANE Select); coding-DNA position 2077, A replaced by G.
Protein change: p.Met693Val; replaces methionine 693 with valine.
Molecular consequence: missense variant.
Genome position (GRCh38, 1-based): chr2:165,139,551, T>C on the plus strand (A>G on the coding strand, the complement: SCN3A is on the minus strand). VCF-style: chr2-165139551-T-C. GRCh37 (hg19) VCF-style: chr2-165996061-T-C.
Other names: c.1930A>G, p.Met644Val (NM_001081676.2, NM_001081677.2); short protein forms M693V, M644V.
Identifiers: ClinVar variation 547844 (VCV000547844.22), dbSNP rs138331141, ClinGen allele CA1939021.